The following is an entry in ClinVar:

ClinVar aggregate classification (germline): Uncertain significance (1 of 4 stars; one submission).

Conditions:
Aicardi-Goutieres syndrome 3. Identifiers: Orphanet 51, MedGen C1835916, MONDO:0012471, OMIM 610329.

Submission:

Labcorp Genetics (formerly Invitae), Labcorp
Classification: Uncertain significance for Aicardi-Goutieres syndrome 3. Last evaluated: 2022-08-31. Review status: criteria provided, single submitter. Criteria: Invitae Variant Classification Sherloc (09022015). Collection method: clinical testing. Allele origin: germline.
Comment: In summary, the available evidence is currently insufficient to determine the role of this variant in disease. Therefore, it has been classified as a Variant of Uncertain Significance. Algorithms developed to predict the effect of missense changes on protein structure and function output the following: SIFT: "Tolerated"; PolyPhen-2: "Benign"; Align-GVGD: "Class C0". The lysine amino acid residue is found in multiple mammalian species, which suggests that this missense change does not adversely affect protein function. This variant has not been reported in the literature in individuals affected with RNASEH2C-related conditions. This variant is not present in population databases (gnomAD no frequency). This sequence change replaces arginine, which is basic and polar, with lysine, which is basic and polar, at codon 11 of the RNASEH2C protein (p.Arg11Lys).

NM_032193.4(RNASEH2C):c.32G>A (p.Arg11Lys)

Gene: RNASEH2C (ribonuclease H2 subunit C; minus strand). Cytogenetic location: 11q13.1.
Variant type: single nucleotide variant.
Coding change: c.32G>A on transcript NM_032193.4 (MANE Select); coding-DNA position 32, G replaced by A.
Protein change: p.Arg11Lys; replaces arginine 11 with lysine.
Molecular consequence: missense variant.
Genome position (GRCh38, 1-based): chr11:65,720,727, C>T on the plus strand (G>A on the coding strand, the complement: RNASEH2C is on the minus strand). VCF-style: chr11-65720727-C-T. GRCh37 (hg19) VCF-style: chr11-65488198-C-T.
Other names: short protein forms R11K.
Identifiers: ClinVar variation 2008278 (VCV002008278.4), dbSNP rs2495312215, ClinGen allele CA381299672.
Genomic context (GRCh38, chr11:65,720,727, plus strand): 5'-AGATGCAGTGTGGCGGGTACGGCGTCGCGCAATGTGGCGGAGCGCAAGTGGACGCGGTGC[C>T]TCTCGATGGCCGCTTCGTCGCCGCTCTCCATCCTCCCTCCTACGCGACGCCAGGGCTCGC-3'
Protein context (NP_115569.2, residues 1-21): MESGDEAAIE[Arg11Lys]HRVHLRSATL